The following is an entry in ClinVar:

NC_000007.13:g.(?_193200)_(208996_?)del

Gene: FAM20C (FAM20C golgi associated secretory pathway kinase; plus strand). Cytogenetic location: 7p22.3.
Variant type: Deletion.
Identifiers: ClinVar variation 2426528 (VCV002426528.4).

ClinVar aggregate classification (germline): Pathogenic (1 of 4 stars; one submission).

Submission:

Labcorp Genetics (formerly Invitae), Labcorp
Classification: Pathogenic. Last evaluated: 2024-01-24. Review status: criteria provided, single submitter. Criteria: Invitae Variant Classification Sherloc (09022015). Collection method: clinical testing. Allele origin: germline.
Comment: This variant is a gross deletion of the genomic region encompassing exon(s) 1-3 of the FAM20C gene, which includes the initiator codon. This deletion extends beyond the assayed region for this gene and therefore may encompass additional genes. It is expected to result in an absent or disrupted protein product. Loss-of-function variants in FAM20C are known to be pathogenic (PMID: 17924334, 22615579, 22732358, 23325605, 25026495). This variant has not been reported in the literature in individuals affected with FAM20C-related conditions. For these reasons, this variant has been classified as Pathogenic.

Literature cited by the submitters: PubMed 17924334; PubMed 22615579; PubMed 22732358; PubMed 23325605; PubMed 25026495.